The following is an entry in ClinVar:

NM_000219.6(KCNE1):c.379C>G (p.Pro127Ala)

Gene: KCNE1 (potassium voltage-gated channel subfamily E regulatory subunit 1; minus strand). Cytogenetic location: 21q22.12.
Variant type: single nucleotide variant.
Coding change: c.379C>G on transcript NM_000219.6 (MANE Select); coding-DNA position 379, C replaced by G.
Protein change: p.Pro127Ala; replaces proline 127 with alanine.
Molecular consequence: missense variant.
Genome position (GRCh38, 1-based): chr21:34,449,256, G>C on the plus strand (C>G on the coding strand, the complement: KCNE1 is on the minus strand). VCF-style: chr21-34449256-G-C. GRCh37 (hg19) VCF-style: chr21-35821554-G-C.
Other names: c.379C>G, p.Pro127Ala (NM_001127668.4, NM_001127669.4, NM_001127670.4 and 4 more transcripts); short protein forms P127A.
Identifiers: ClinVar variation 3373866 (VCV003373866.2).

Conditions:
Long QT syndrome 5 (LQT5). Identifiers: Orphanet 101016, Orphanet 768, MedGen C1867904, MONDO:0013372, OMIM 613695.

Submission:

Roden Lab, Vanderbilt University Medical Center
No classification provided (evidence only). Condition: Long QT syndrome 5. Review status: no classification provided. Collection method: in vitro. Allele origin: not applicable. Functional consequence: Effect on ion channel function.
ClinVar note: "not provided" was previously submitted as the classification for the variant. However, the classification appeared to be based only on an observation of functional data so it was converted to no classification on 2025-07-30.